The following is an entry in ClinVar:

NM_000540.3(RYR1):c.3014G>A (p.Ser1005Asn)

Gene: RYR1 (ryanodine receptor 1; plus strand). Cytogenetic location: 19q13.2.
Variant type: single nucleotide variant.
Coding change: c.3014G>A on transcript NM_000540.3 (MANE Select); coding-DNA position 3014, G replaced by A.
Protein change: p.Ser1005Asn; replaces serine 1005 with asparagine.
Molecular consequence: missense variant.
Genome position (GRCh38, 1-based): chr19:38,466,234, G>A. VCF-style: chr19-38466234-G-A. GRCh37 (hg19) VCF-style: chr19-38956874-G-A.
Other names: c.3014G>A, p.Ser1005Asn (NM_001042723.2); short protein forms S1005N.
Identifiers: ClinVar variation 436623 (VCV000436623.21), dbSNP rs780145264, ClinGen allele CA064306.

ClinVar aggregate classification (germline): Uncertain significance. Review status: criteria provided, multiple submitters, no conflicts (2 of 4 stars). 9 submissions from 9 submitters: Uncertain significance (8). 1 of the submissions does not count toward it. Last evaluated 2024-10-25.

Conditions:
RYR1-related disorder. Also called: RYR1-related condition; RYR1-related disorders. Identifiers: MedGen CN239331.
Inborn genetic diseases. Identifiers: MedGen C0950123, MeSH D030342.
Malignant hyperthermia, susceptibility to, 1 (MHS1). Also called: Malignant hyperthermia suceptibility 1; Anesthesia related hyperthermia; Malignant hyperpyrexia; Fulminating hyperpyrexia; Pharmacogenic myopathy; RYR1-Related Malignant Hyperthermia Susceptibility. Identifiers: Orphanet 423, MedGen C2930980, MONDO:0007783, OMIM 145600.

Allele frequency attached by ClinVar (database versions not stated): gnomAD 0.00001; TOPMed 0.00001; ExAC 0.00002; gnomAD exomes 0.00002.
gnomAD v4.1: 5 of 1,613,324 alleles (0.00031%); highest among the groups gnomAD compares: Non-Finnish European, 0.000085%; no homozygotes.

Submissions (9):

Blueprint Genetics
Classification: Uncertain significance. Last evaluated: 2024-10-25. Review status: criteria provided, single submitter. Criteria: ACMG Guidelines, 2015. Collection method: clinical testing. Allele origin: germline.

All of Us Research Program, National Institutes of Health
Classification: Uncertain significance for Malignant hyperthermia, susceptibility to, 1. Last evaluated: 2024-05-30. Review status: criteria provided, single submitter. Criteria: ACMG Guidelines, 2015. Collection method: clinical testing. Allele origin: germline. Inheritance: Autosomal dominant inheritance. Observed: 7 variant alleles, 7 heterozygotes.
Comment: This missense variant replaces serine with asparagine at codon 1005 of the RYR1 protein. Computational prediction suggests that this variant may not impact protein structure and function (internally defined REVEL score threshold <= 0.5, PMID: 27666373). To our knowledge, functional studies have not been reported for this variant. This variant has not been reported in individuals affected with malignant hyperthermia in the literature. This variant has been identified in 5/280596 chromosomes in the general population by the Genome Aggregation Database (gnomAD). The available evidence is insufficient to determine the role of this variant in disease conclusively. Therefore, this variant is classified as a Variant of Uncertain Significance.

This study involves interpretation of variants in research participants for the purpose of population health screening. Participant phenotype was not available at the time of variant classification. Additional details can be found in publication PMID: 35346344, PMCID: PMC8962531

Labcorp Genetics (formerly Invitae), Labcorp
Classification: Uncertain significance for RYR1-related disorder. Last evaluated: 2024-05-15. Review status: criteria provided, single submitter. Criteria: Invitae Variant Classification Sherloc (09022015). Collection method: clinical testing. Allele origin: germline.
Comment: This sequence change replaces serine, which is neutral and polar, with asparagine, which is neutral and polar, at codon 1005 of the RYR1 protein (p.Ser1005Asn). This variant is present in population databases (rs780145264, gnomAD 0.006%). This variant has not been reported in the literature in individuals affected with RYR1-related conditions. ClinVar contains an entry for this variant (Variation ID: 436623). Advanced modeling of protein sequence and biophysical properties (such as structural, functional, and spatial information, amino acid conservation, physicochemical variation, residue mobility, and thermodynamic stability) performed at Invitae indicates that this missense variant is not expected to disrupt RYR1 protein function with a negative predictive value of 95%. In summary, the available evidence is currently insufficient to determine the role of this variant in disease. Therefore, it has been classified as a Variant of Uncertain Significance.

Ambry Genetics
Classification: Uncertain significance for Inborn genetic diseases. Last evaluated: 2024-04-01. Review status: criteria provided, single submitter. Criteria: Ambry Variant Classification Scheme 2023. Collection method: clinical testing. Allele origin: germline.

Women's Health and Genetics/Laboratory Corporation of America, LabCorp
Classification: Uncertain significance. Last evaluated: 2023-11-13. Review status: criteria provided, single submitter. Criteria: LabCorp Variant Classification Summary - May 2015. Collection method: clinical testing. Allele origin: germline.
Comment: Variant summary: RYR1 c.3014G>A (p.Ser1005Asn) results in a conservative amino acid change located in the Ryanodine receptor Ryr (IPR003032) of the encoded protein sequence. Three of four in-silico tools predict a damaging effect of the variant on protein function. The variant allele was found at a frequency of 1.6e-05 in 249206 control chromosomes. The available data on variant occurrences in the general population are insufficient to allow any conclusion about variant significance. To our knowledge, no occurrence of c.3014G>A in individuals affected with Myopathy, RYR1-Associated and no experimental evidence demonstrating its impact on protein function have been reported. Four submitters have cited clinical-significance assessments for this variant to ClinVar after 2014. All submitters classified the variant as uncertain significance. Based on the evidence outlined above, the variant was classified as uncertain significance.

Revvity Omics, Revvity
Classification: Uncertain significance. Last evaluated: 2023-09-01. Review status: criteria provided, single submitter. Criteria: ACMG Guidelines, 2015. Collection method: clinical testing. Allele origin: germline.

GeneDx
Classification: Uncertain significance. Last evaluated: 2023-04-19. Review status: criteria provided, single submitter. Criteria: GeneDx Variant Classification Process June 2021. Collection method: clinical testing. Allele origin: germline. Affected: yes.
Comment: Not observed at significant frequency in large population cohorts (gnomAD); In silico analysis supports that this missense variant does not alter protein structure/function; Has not been previously published as pathogenic or benign to our knowledge; This variant is associated with the following publications: (PMID: 31597922)

Genetic Services Laboratory, University of Chicago
Classification: Uncertain significance. Last evaluated: 2016-10-20. Review status: criteria provided, single submitter. Criteria: ACMG Guidelines, 2015. Collection method: clinical testing. Allele origin: germline. Affected: no.

PreventionGenetics, part of Exact Sciences
Classification: Uncertain significance for RYR1-related condition. Last evaluated: 2024-07-30. Review status: no assertion criteria provided. Collection method: clinical testing. Allele origin: germline. Not counted in ClinVar's aggregate classification.
Comment: The RYR1 c.3014G>A variant is predicted to result in the amino acid substitution p.Ser1005Asn. To our knowledge, this variant has not been reported in the literature. This variant is reported in 0.0057% of alleles in individuals of Latino descent in gnomAD. At this time, the clinical significance of this variant is uncertain due to the absence of conclusive functional and genetic evidence.